The following is an entry in ClinVar:

NM_001267550.2(TTN):c.65920A>G (p.Met21974Val)

Genes: TTN (titin; minus strand), TTN-AS1 (TTN antisense RNA 1; plus strand). Cytogenetic location: 2q31.2.
Variant type: single nucleotide variant.
Coding change: c.65920A>G on transcript NM_001267550.2 (MANE Select); coding-DNA position 65920, A replaced by G.
Protein change: p.Met21974Val; replaces methionine 21974 with valine.
Molecular consequence: missense variant.
Genome position (GRCh38, 1-based): chr2:178,582,536, T>C on the plus strand (A>G on the coding strand, the complement: TTN is on the minus strand). VCF-style: chr2-178582536-T-C. GRCh37 (hg19) VCF-style: chr2-179447263-T-C.
Other names: c.60997A>G, p.Met20333Val (NM_001256850.1); c.38725A>G, p.Met12909Val (NM_003319.4); c.39100A>G, p.Met13034Val (NM_133432.3); c.39301A>G, p.Met13101Val (NM_133437.4); c.58216A>G, p.Met19406Val (NM_133378.4); short protein forms M21974V, M12909V, M13101V, M13034V, M20333V.
Identifiers: ClinVar variation 96297 (VCV000096297.8), dbSNP rs370691527, ClinGen allele CA223953.

ClinVar aggregate classification (germline): Uncertain significance. Review status: criteria provided, multiple submitters, no conflicts (2 of 4 stars). 2 submissions from 2 submitters: Uncertain significance (2). Last evaluated 2019-01-04.

Conditions:
Cardiovascular phenotype. Identifiers: MedGen CN230736.

Allele frequency attached by ClinVar (database versions not stated): gnomAD exomes 0.00001 and below 0.00001; TOPMed 0.00001; gnomAD 0.00002; ESP Exome Variant Server 0.00008.
gnomAD v4.1: 14 of 1,612,640 alleles (0.00087%); highest among the groups gnomAD compares: African/African-American, 0.0027%; no homozygotes.

Submissions (2):

Ambry Genetics
Classification: Uncertain significance for Cardiovascular phenotype. Last evaluated: 2019-01-04. Review status: criteria provided, single submitter. Criteria: Ambry Variant Classification Scheme 2023. Collection method: clinical testing. Allele origin: germline.
Comment: The p.M12909V variant (also known as c.38725A>G), located in coding exon 141 of the TTN gene, results from an A to G substitution at nucleotide position 38725. The methionine at codon 12909 is replaced by valine, an amino acid with highly similar properties. This amino acid position is not well conserved in available vertebrate species. In addition, this alteration is predicted to be tolerated by in silico analysis. Since supporting evidence is limited at this time, the clinical significance of this alteration remains unclear.

Eurofins Ntd Llc (ga)
Classification: Uncertain significance. Last evaluated: 2013-05-01. Review status: criteria provided, single submitter. Criteria: EGL Classification Definitions 2015. Collection method: clinical testing. Allele origin: germline. Observed: 1 variant allele, 1 heterozygote.